The following is an entry in ClinVar:

NM_000285.4(PEPD):c.777C>T (p.Ala259=)

Gene: PEPD (peptidase D; minus strand). Cytogenetic location: 19q13.11.
Variant type: single nucleotide variant.
Coding change: c.777C>T on transcript NM_000285.4 (MANE Select); coding-DNA position 777, C replaced by T.
Protein change: p.Ala259=; no amino-acid change (alanine 259 retained).
Molecular consequence: synonymous variant.
Genome position (GRCh38, 1-based): chr19:33,411,713, G>A on the plus strand (C>T on the coding strand, the complement: PEPD is on the minus strand). VCF-style: chr19-33411713-G-A. GRCh37 (hg19) VCF-style: chr19-33902619-G-A.
Other names: c.654C>T, p.Ala218= (NM_001166056.2); c.585C>T, p.Ala195= (NM_001166057.2).
Identifiers: ClinVar variation 1557395 (VCV001557395.17), dbSNP rs573678038, ClinGen allele CA9364138.
Genomic context (GRCh38, chr19:33,411,713, plus strand): 5'-GGCCGCTGGCCCTACTTACCACATATCCCCATTCTGGATCGTTCGGTCGTTGGGAGCTCC[G>A]GCGTGTCCGTAGTGTAGCACGGCTGAGTTCTCACCACTGCAAAGAGCCGGGGGAGGGTGA-3'
Protein context (NP_000276.2, residues 249-269): ENSAVLHYGH[Ala259=]GAPNDRTIQN

ClinVar aggregate classification (germline): Likely benign. Review status: criteria provided, multiple submitters, no conflicts (2 of 4 stars). 3 submissions from 3 submitters: Likely benign (3). Last evaluated 2026-01-27.

Allele frequency attached by ClinVar (database versions not stated): TOPMed 0.00003; gnomAD 0.00004 and 0.00006; gnomAD exomes 0.00004 and 0.00005; ExAC 0.00005; 1000 Genomes Project 30x 0.00016; 1000 Genomes Project 0.00020.
gnomAD v4.1: 87 of 1,611,134 alleles (0.0054%); highest among the groups gnomAD compares: Middle Eastern, 0.05%; 1 homozygote.

Submissions (3):

Labcorp Genetics (formerly Invitae), Labcorp
Classification: Likely benign. Last evaluated: 2026-01-27. Review status: criteria provided, single submitter. Criteria: Invitae Variant Classification Sherloc (09022015). Collection method: clinical testing. Allele origin: germline.

CeGaT Center for Human Genetics Tuebingen
Classification: Likely benign. Last evaluated: 2025-11-01. Review status: criteria provided, single submitter. Criteria: CeGaT Center For Human Genetics Tuebingen Variant Classification Criteria Version 2. Collection method: clinical testing. Allele origin: germline. Affected: yes. Observed: 2 variant alleles.
Comment: PEPD: BP4, BP7

Blueprint Genetics
Classification: Likely benign. Last evaluated: 2023-11-17. Review status: criteria provided, single submitter. Criteria: ACMG Guidelines, 2015. Collection method: clinical testing. Allele origin: germline.